The following is an entry in ClinVar:

NM_000257.4(MYH7):c.4659C>T (p.His1553=)

Genes: MHRT (myosin heavy chain associated RNA transcript; plus strand), MYH7 (myosin heavy chain 7; minus strand), LOC126861897 (BRD4-independent group 4 enhancer GRCh37_chr14:23884455-23885654; plus strand). Cytogenetic location: 14q11.2.
Variant type: single nucleotide variant.
Coding change: c.4659C>T on transcript NM_000257.4 (MANE Select); coding-DNA position 4659, C replaced by T.
Protein change: p.His1553=; no amino-acid change (histidine 1553 retained).
Molecular consequence: synonymous variant.
Genome position (GRCh38, 1-based): chr14:23,416,298, G>A on the plus strand (C>T on the coding strand, the complement: MYH7 is on the minus strand). VCF-style: chr14-23416298-G-A. GRCh37 (hg19) VCF-style: chr14-23885507-G-A.
Other names: c.4659C>T (LRG_384t1).
Identifiers: ClinVar variation 312895 (VCV000312895.63), dbSNP rs570079347, ClinGen allele CA043411.
Genomic context (GRCh38, chr14:23,416,298, plus strand): 5'-CTCGATCTCTGCCTTGATCTGGTTGAACTCCAGCTGGGCCCGGAGGATCTTGCCCTCCTC[G>A]TGCTCCAGGGAGGCCTGGGAAGGGGTTGGGGGAGGGGATGCAGGCAGACAGTCAGGGCAC-3'
Protein context (NP_000248.2, residues 1543-1563): ALEEAEASLE[His1553=]EEGKILRAQL

ClinVar aggregate classification (germline): Conflicting classifications of pathogenicity. Review status: criteria provided, conflicting classifications (1 of 4 stars). 12 submissions from 10 submitters: Uncertain significance (2); Benign (3); Likely benign (7). Last evaluated 2026-07-07.

Conditions:
Myosin storage myopathy (CMYO7A). Also called: MYOPATHY, HYALINE BODY, AUTOSOMAL DOMINANT; MYOPATHY WITH LYSIS OF TYPE I MYOFIBRILS; MYH7-related late-onset scapuloperoneal muscular dystrophy; Congenital myopathy 7A, myosin storage, autosomal dominant; SCAPULOPERONEAL MUSCULAR DYSTROPHY; SCAPULOPERONEAL SYNDROME, MYOPATHIC TYPE. Identifiers: Orphanet 437572, Orphanet 636965, MedGen C1842160, MONDO:0008409, OMIM 608358.
MYH7-related skeletal myopathy. Also called: Laing early-onset distal myopathy; Myopathy, distal, 1; MYOPATHY, DISTAL, EARLY-ONSET, AUTOSOMAL DOMINANT; MYOPATHY, LATE DISTAL HEREDITARY; Laing distal myopathy. Identifiers: Orphanet 59135, MedGen C4552004, MONDO:0008050, OMIM 160500.
Hypertrophic cardiomyopathy 1 (CMH1). Also called: MYH7-Related Familial Hypertrophic Cardiomyopathy; Familial hypertrophic cardiomyopathy 1. Identifiers: MedGen C3495498, MONDO:0008647, OMIM 192600.
MYH7-related disorder. Also called: MYH7-related condition; MYH7-related disease; MYH7-related disorders.
Cardiovascular phenotype. Identifiers: MedGen CN230736.
Cardiomyopathy (CMYO). Also called: Cardiomyopathies. Identifiers: Orphanet 167848, MedGen C0878544, MONDO:0004994, HP:0001638. Inheritance: Various modes of inheritance.
Hypertrophic cardiomyopathy. Also called: HYPERTROPHIC MYOCARDIOPATHY. Identifiers: Orphanet 217569, MedGen C0007194, MeSH D002312, MONDO:0005045, HP:0001639.

Allele frequency attached by ClinVar (database versions not stated): gnomAD 0.00001 and 0.00002; TOPMed 0.00002; gnomAD exomes 0.00003 and 0.00007; ExAC 0.00008; 1000 Genomes Project 30x 0.00016; 1000 Genomes Project 0.00020.
gnomAD v4.1: 49 of 1,612,258 alleles (0.003%); highest among the groups gnomAD compares: East Asian, 0.036%; 1 homozygote.

Submissions (12):

PreventionGenetics, part of Exact Sciences
Classification: Likely benign for MYH7-related condition. Last evaluated: 2026-07-07. Review status: criteria provided, single submitter. Criteria: ACMG Guidelines, 2015. Collection method: clinical testing. Allele origin: germline.
Comment: This variant is classified as likely benign based on ACMG/AMP sequence variant interpretation guidelines (Richards et al. 2015 PMID: 25741868, with internal and published modifications).

CeGaT Center for Human Genetics Tuebingen
Classification: Likely benign. Last evaluated: 2025-07-01. Review status: criteria provided, single submitter. Criteria: CeGaT Center For Human Genetics Tuebingen Variant Classification Criteria Version 2. Collection method: clinical testing. Allele origin: germline. Affected: yes. Observed: 3 variant alleles.
Comment: MYH7: BP4, BP7

Labcorp Genetics (formerly Invitae), Labcorp
Classification: Likely benign for Hypertrophic cardiomyopathy. Last evaluated: 2025-05-28. Review status: criteria provided, single submitter. Criteria: Invitae Variant Classification Sherloc (09022015). Collection method: clinical testing. Allele origin: germline.

Blueprint Genetics
Classification: Likely benign. Last evaluated: 2024-06-04. Review status: criteria provided, single submitter. Criteria: ACMG Guidelines, 2015. Collection method: clinical testing. Allele origin: germline.

All of Us Research Program, National Institutes of Health
Classification: Likely benign for Cardiomyopathy. Last evaluated: 2023-11-20. Review status: criteria provided, single submitter. Criteria: ACMG Guidelines, 2015. Collection method: clinical testing. Allele origin: germline. Inheritance: Autosomal dominant inheritance. Observed: 7 variant alleles, 7 heterozygotes.
Comment: This study involves interpretation of variants in research participants for the purpose of population health screening. Participant phenotype was not available at the time of variant classification. Additional details can be found in publication PMID: 35346344, PMCID: PMC8962531

Ambry Genetics
Classification: Likely benign for Cardiovascular phenotype. Last evaluated: 2020-01-31. Review status: criteria provided, single submitter. Criteria: Ambry Variant Classification Scheme 2023. Collection method: clinical testing. Allele origin: germline.

Color Diagnostics, LLC DBA Color Health
Classification: Likely benign for Cardiomyopathy. Last evaluated: 2018-11-25. Review status: criteria provided, single submitter. Criteria: ACMG Guidelines, 2015. Collection method: clinical testing. Allele origin: germline.

Illumina Laboratory Services, Illumina
Classification: Benign for MYH7-related skeletal myopathy. Last evaluated: 2018-01-12. Review status: criteria provided, single submitter. Criteria: ICSL Variant Classification Criteria 13 December 2019. Collection method: clinical testing. Allele origin: germline.
Comment: This variant was observed in the ICSL laboratory as part of a predisposition screen in an ostensibly healthy population. It had not been previously curated by ICSL or reported in the Human Gene Mutation Database (HGMD: prior to June 1st, 2018), and was therefore a candidate for classification through an automated scoring system. Utilizing variant allele frequency, disease prevalence and penetrance estimates, and inheritance mode, an automated score was calculated to assess if this variant is too frequent to cause the disease. Based on the score and internal cut-off values, a variant classified as benign is not then subjected to further curation. The score for this variant resulted in a classification of benign for this disease.

Illumina Laboratory Services, Illumina
Classification: Uncertain significance for Hypertrophic cardiomyopathy 1. Last evaluated: 2018-01-12. Review status: criteria provided, single submitter. Criteria: ICSL Variant Classification Criteria 13 December 2019. Collection method: clinical testing. Allele origin: germline.

Illumina Laboratory Services, Illumina
Classification: Uncertain significance for Myosin storage myopathy. Last evaluated: 2018-01-12. Review status: criteria provided, single submitter. Criteria: ICSL Variant Classification Criteria 13 December 2019. Collection method: clinical testing. Allele origin: germline.

CHEO Genetics Diagnostic Laboratory, Children's Hospital of Eastern Ontario
Classification: Benign for Cardiomyopathy. Last evaluated: 2017-11-02. Review status: criteria provided, single submitter. Criteria: ACMG Guidelines, 2015. Collection method: clinical testing. Allele origin: germline.

GeneDx
Classification: Benign. Last evaluated: 2016-07-27. Review status: criteria provided, single submitter. Criteria: GeneDx Variant Classification (06012015). Collection method: clinical testing. Allele origin: germline. Affected: yes.
Comment: This variant is considered likely benign or benign based on one or more of the following criteria: it is a conservative change, it occurs at a poorly conserved position in the protein, it is predicted to be benign by multiple in silico algorithms, and/or has population frequency not consistent with disease.